The following is an entry in ClinVar:

NM_000218.3(KCNQ1):c.1340C>T (p.Pro447Leu)

Gene: KCNQ1 (potassium voltage-gated channel subfamily Q member 1; plus strand). Cytogenetic location: 11p15.5.
Variant type: single nucleotide variant.
Coding change: c.1340C>T on transcript NM_000218.3 (MANE Select); coding-DNA position 1340, C replaced by T.
Protein change: p.Pro447Leu; replaces proline 447 with leucine.
Molecular consequence: missense variant.
Genome position (GRCh38, 1-based): chr11:2,588,801, C>T. VCF-style: chr11-2588801-C-T. GRCh37 (hg19) VCF-style: chr11-2610031-C-T.
Other names: c.1244C>T, p.Pro415Leu (NM_001406836.1); c.1070C>T, p.Pro357Leu (NM_001406837.1); c.800C>T, p.Pro267Leu (NM_001406838.1); c.959C>T, p.Pro320Leu (NM_181798.2); short protein forms P267L, P415L, P320L, P447L, P357L.
Identifiers: ClinVar variation 3532637 (VCV003532637.1).

ClinVar aggregate classification (germline): Uncertain significance (1 of 4 stars; one submission).

Conditions:
Cardiovascular phenotype. Identifiers: MedGen CN230736.

Submission:

Ambry Genetics
Classification: Uncertain significance for Cardiovascular phenotype. Last evaluated: 2024-09-20. Review status: criteria provided, single submitter. Criteria: Ambry Variant Classification Scheme 2023. Collection method: clinical testing. Allele origin: germline.
Comment: The p.P447L variant (also known as c.1340C>T), located in coding exon 10 of the KCNQ1 gene, results from a C to T substitution at nucleotide position 1340. The proline at codon 447 is replaced by leucine, an amino acid with similar properties. This amino acid position is not well conserved in available vertebrate species. In addition, the in silico prediction for this alteration is inconclusive. Based on the available evidence, the clinical significance of this variant remains unclear.